The following is an entry in ClinVar:

NM_004184.4(WARS1):c.543-16C>T

Gene: WARS1 (tryptophanyl-tRNA synthetase 1; minus strand). Cytogenetic location: 14q32.2.
Variant type: single nucleotide variant.
Coding change: c.543-16C>T on transcript NM_004184.4 (MANE Select); 16 bases into the intron before coding-DNA position 543, C replaced by T.
Molecular consequence: intron variant.
Genome position (GRCh38, 1-based): chr14:100,353,885, G>A on the plus strand (C>T on the coding strand, the complement: WARS1 is on the minus strand). VCF-style: chr14-100353885-G-A. GRCh37 (hg19) VCF-style: chr14-100820222-G-A.
Other names: c.420-16C>T (NM_213645.2, NM_213646.2); c.543-16C>T (NM_173701.2).
Identifiers: ClinVar variation 3768752 (VCV003768752.1).
Genomic context (GRCh38, chr14:100,353,885, plus strand): 5'-GTCATCTGGATGACCAAGGGCACGTTAAATACATCCTGGAGCCACCTAAAGAAACACAGG[G>A]GGAGAAAGCTGACGTCTCATCTCCCCTGTGGAGGAACGCCATCGTGCATCTGAAAACACA-3'

ClinVar aggregate classification (germline): Likely benign (1 of 4 stars; one submission).

gnomAD v4.1: 1 of 1,609,474 alleles (0.000062%); highest among the groups gnomAD compares: African/African-American, 0.0013%; no homozygotes.

Submission:

Women's Health and Genetics/Laboratory Corporation of America, LabCorp
Classification: Likely benign. Last evaluated: 2025-02-05. Review status: criteria provided, single submitter. Criteria: LabCorp Variant Classification Summary - May 2015. Collection method: clinical testing. Allele origin: germline.
Comment: Variant summary: WARS1 c.543-16C>T alters a non-conserved nucleotide located at a position not widely known to affect splicing. Consensus agreement among computation tools predict no significant impact on normal splicing. However, these predictions have yet to be confirmed by functional studies. The variant allele was found at a frequency of 4e-06 in 248928 control chromosomes (gnomAD). The available data on variant occurrences in the general population are insufficient to allow any conclusion about variant significance. To our knowledge, no occurrence of c.543-16C>T in individuals affected with Neurodevelopmental disorder with microcephaly and speech delay, with or without brain abnormalities and no experimental evidence demonstrating its impact on protein function have been reported. No submitters have cited clinical-significance assessments for this variant to ClinVar. Based on the evidence outlined above, the variant was classified as likely benign.